The following is an entry in ClinVar:

ClinVar aggregate classification (germline): Uncertain significance (1 of 4 stars; one submission).

Conditions:
Charcot-Marie-Tooth disease type 4. Also called: Charcot-Marie-Tooth, Type 4; Charcot-Marie-Tooth disease, type IV. Identifiers: Orphanet 64749, MedGen C4082197, MONDO:0018995.

Submission:

Labcorp Genetics (formerly Invitae), Labcorp
Classification: Uncertain significance for Charcot-Marie-Tooth disease type 4. Last evaluated: 2025-12-22. Review status: criteria provided, single submitter. Criteria: Invitae Variant Classification Sherloc (09022015). Collection method: clinical testing. Allele origin: germline.
Comment: This sequence change replaces cysteine, which is neutral and slightly polar, with tryptophan, which is neutral and slightly polar, at codon 886 of the SBF2 protein (p.Cys886Trp). This variant is not present in population databases (gnomAD no frequency). This variant has not been reported in the literature in individuals affected with SBF2-related conditions. Invitae Evidence Modeling of protein sequence and biophysical properties (such as structural, functional, and spatial information, amino acid conservation, physicochemical variation, residue mobility, and thermodynamic stability) indicates that this missense variant is not expected to disrupt SBF2 protein function with a negative predictive value of 80%. In summary, the available evidence is currently insufficient to determine the role of this variant in disease. Therefore, it has been classified as a Variant of Uncertain Significance.

NM_030962.4(SBF2):c.2658T>G (p.Cys886Trp)

Genes: SBF2 (SET binding factor 2; minus strand), LOC101928008 (uncharacterized LOC101928008; plus strand). Cytogenetic location: 11p15.4.
Variant type: single nucleotide variant.
Coding change: c.2658T>G on transcript NM_030962.4 (MANE Select); coding-DNA position 2658, T replaced by G.
Protein change: p.Cys886Trp; replaces cysteine 886 with tryptophan.
Molecular consequence: missense variant.
Genome position (GRCh38, 1-based): chr11:9,850,171, A>C on the plus strand (T>G on the coding strand, the complement: SBF2 is on the minus strand). VCF-style: chr11-9850171-A-C. GRCh37 (hg19) VCF-style: chr11-9871718-A-C.
Other names: c.2658T>G, p.Cys886Trp (NM_001386339.1); c.2529T>G, p.Cys843Trp (NM_001386342.1); c.2694T>G, p.Cys898Trp (NM_001424318.1, NM_001425069.1, NM_001425070.1); short protein forms C843W, C886W, C898W.
Identifiers: ClinVar variation 4746633 (VCV004746633.1).
Genomic context (GRCh38, chr11:9,850,171, plus strand): 5'-AAGAAGACCTCCAGTAGCTTCTTCTCTTCCATCAGGATCCAGCAAGACTCGAAGACCCTC[A>C]CAGACAATTTCTTCTCCTGGCAGCAGAGCAGGTCTAAGAATCTTGGGCTTACAACAGAAA-3'
Protein context (NP_112224.1, residues 876-896): PALLPGEEIV[Cys886Trp]EGLRVLLDPD